The following is an entry in ClinVar:

NM_001572.5(IRF7):c.163G>A (p.Ala55Thr)

Gene: IRF7 (interferon regulatory factor 7; minus strand). Cytogenetic location: 11p15.5.
Variant type: single nucleotide variant.
Coding change: c.163G>A on transcript NM_001572.5 (MANE Select); coding-DNA position 163, G replaced by A.
Protein change: p.Ala55Thr; replaces alanine 55 with threonine.
Molecular consequence: missense variant.
Genome position (GRCh38, 1-based): chr11:615,117, C>T on the plus strand (G>A on the coding strand, the complement: IRF7 is on the minus strand). VCF-style: chr11-615117-C-T. GRCh37 (hg19) VCF-style: chr11-615117-C-T.
Other names: c.163G>A, p.Ala55Thr (NM_004029.4); c.202G>A, p.Ala68Thr (NM_004031.4); c.202G>A (NM_004031.2); short protein forms A68T, A55T.
Identifiers: ClinVar variation 1442057 (VCV001442057.7), dbSNP rs1196559888, ClinGen allele CA378983581.
Genomic context (GRCh38, chr11:615,117, plus strand): 5'-GGCTCTCCCACCCGGGGCGGGGCGGGGCTGGGGTCCCCACCTTGAAGATGCGCGCGTCGG[C>T]CTCGCTCAGGTCCTTGCGCGCGAAGTGCTTCCAGGGCACGCGGAAACAGGTGCGGGCCTC-3'
Protein context (NP_001563.2, residues 45-65): KHFARKDLSE[Ala55Thr]DARIFKAWAV

ClinVar aggregate classification (germline): Uncertain significance. Review status: criteria provided, multiple submitters, no conflicts (2 of 4 stars). 2 submissions from 2 submitters: Uncertain significance (2). Last evaluated 2024-05-26.

Conditions:
Immunodeficiency 39 (IMD39). Identifiers: Orphanet 574918, MedGen C4225358, MONDO:0014597, OMIM 616345.

Allele frequency attached by ClinVar (database versions not stated): TOPMed below 0.00001; gnomAD exomes 0.00002.
gnomAD v4.1: 11 of 1,597,172 alleles (0.00069%); highest among the groups gnomAD compares: East Asian, 0.022%; no homozygotes.

Submissions (2):

Ambry Genetics
Classification: Uncertain significance. Last evaluated: 2024-05-26. Review status: criteria provided, single submitter. Criteria: Ambry Variant Classification Scheme 2023. Collection method: clinical testing. Allele origin: germline.

Labcorp Genetics (formerly Invitae), Labcorp
Classification: Uncertain significance for Immunodeficiency 39. Last evaluated: 2021-10-21. Review status: criteria provided, single submitter. Criteria: Invitae Variant Classification Sherloc (09022015). Collection method: clinical testing. Allele origin: germline.
Comment: This sequence change replaces alanine with threonine at codon 68 of the IRF7 protein (p.Ala68Thr). The alanine residue is moderately conserved and there is a small physicochemical difference between alanine and threonine. In summary, the available evidence is currently insufficient to determine the role of this variant in disease. Therefore, it has been classified as a Variant of Uncertain Significance. Algorithms developed to predict the effect of missense changes on protein structure and function are either unavailable or do not agree on the potential impact of this missense change (SIFT: "Tolerated"; PolyPhen-2: "Probably Damaging"; Align-GVGD: "Class C0"). This variant has not been reported in the literature in individuals affected with IRF7-related conditions. This variant is not present in population databases (ExAC no frequency).